The following is an entry in ClinVar:

NM_001253697.2(ERBIN):c.759A>C (p.Glu253Asp)

Gene: ERBIN (erbb2 interacting protein; plus strand). Cytogenetic location: 5q12.3.
Variant type: single nucleotide variant.
Coding change: c.759A>C on transcript NM_001253697.2 (MANE Select); coding-DNA position 759, A replaced by C.
Protein change: p.Glu253Asp; replaces glutamic acid 253 with aspartic acid.
Molecular consequence: missense variant.
Genome position (GRCh38, 1-based): chr5:66,024,392, A>C. VCF-style: chr5-66024392-A-C. GRCh37 (hg19) VCF-style: chr5-65320220-A-C.
Other names: c.759A>C, p.Glu253Asp (NM_001006600.3, NM_001253698.2, NM_001253699.2 and 2 more transcripts); short protein forms E253D.
Identifiers: ClinVar variation 3715801 (VCV003715801.2).

ClinVar aggregate classification (germline): Uncertain significance (1 of 4 stars; one submission).

gnomAD v4.1: 83 of 1,608,128 alleles (0.0052%); highest among the groups gnomAD compares: Non-Finnish European, 0.007%; no homozygotes.

Submission:

Labcorp Genetics (formerly Invitae), Labcorp
Classification: Uncertain significance. Last evaluated: 2024-06-03. Review status: criteria provided, single submitter. Criteria: Invitae Variant Classification Sherloc (09022015). Collection method: clinical testing. Allele origin: germline.
Comment: This sequence change replaces glutamic acid, which is acidic and polar, with aspartic acid, which is acidic and polar, at codon 253 of the ERBIN protein (p.Glu253Asp). This variant is present in population databases (rs759219702, gnomAD 0.002%). This variant has not been reported in the literature in individuals affected with ERBIN-related conditions. An algorithm developed to predict the effect of missense changes on protein structure and function (PolyPhen-2) suggests that this variant is likely to be disruptive. In summary, the available evidence is currently insufficient to determine the role of this variant in disease. Therefore, it has been classified as a Variant of Uncertain Significance.